The following is an entry in ClinVar:

NM_012330.4(KAT6B):c.3334A>G (p.Arg1112Gly)

Gene: KAT6B (lysine acetyltransferase 6B; plus strand). Cytogenetic location: 10q22.2.
Variant type: single nucleotide variant.
Coding change: c.3334A>G on transcript NM_012330.4 (MANE Select); coding-DNA position 3334, A replaced by G.
Protein change: p.Arg1112Gly; replaces arginine 1112 with glycine.
Molecular consequence: missense variant.
Genome position (GRCh38, 1-based): chr10:75,022,193, A>G. VCF-style: chr10-75022193-A-G. GRCh37 (hg19) VCF-style: chr10-76781951-A-G.
Other names: c.2785A>G, p.Arg929Gly (NM_001256468.2, NM_001370138.1); c.2458A>G, p.Arg820Gly (NM_001256469.2, NM_001370139.1, NM_001370140.1 and 2 more transcripts); c.2296A>G, p.Arg766Gly (NM_001370132.1); c.1645A>G, p.Arg549Gly (NM_001370133.1); c.1249A>G, p.Arg417Gly (NM_001370134.1); c.991A>G, p.Arg331Gly (NM_001370135.1); c.3334A>G, p.Arg1112Gly (NM_001370136.1, NM_001370137.1); c.2269A>G, p.Arg757Gly (NM_001370143.1, NM_001370144.1); short protein forms R417G, R757G, R766G, R1112G, R549G, R820G, R331G, R929G.
Identifiers: ClinVar variation 2047442 (VCV002047442.5), dbSNP rs763583481, ClinGen allele CA5564800.

ClinVar aggregate classification (germline): Uncertain significance. Review status: criteria provided, multiple submitters, no conflicts (2 of 4 stars). 2 submissions from 2 submitters: Uncertain significance (2). Last evaluated 2024-04-22.

Conditions:
Blepharophimosis - intellectual disability syndrome, SBBYS type (SBBYSS). Also called: Say-Barber-Biesecker variant of Ohdo syndrome (SBBYSS); Say-Barber-Biesecker-Young-Simpson variant of Ohdo Syndrome; Say-Barber-Biesecker Variant of Ohdo Syndrome; Young Simpson syndrome; Mental retardation unusual facies hypothyroidism; Ohdo syndrome, SBBYS variant. Identifiers: Orphanet 3047, MedGen C1863557, MONDO:0011365, OMIM 603736.
Genitopatellar syndrome (GTPTS). Also called: Genitopatellar syndrome (GPS); ABSENT PATELLAE, SCROTAL HYPOPLASIA, RENAL ANOMALIES, FACIAL DYSMORPHISM, AND MENTAL RETARDATION. Identifiers: Orphanet 85201, MedGen C1853566, MONDO:0011640, OMIM 606170.

Allele frequency attached by ClinVar (database versions not stated): gnomAD 0.00001; gnomAD exomes 0.00001; ExAC 0.00002.
gnomAD v4.1: 4 of 1,613,202 alleles (0.00025%); highest among the groups gnomAD compares: Admixed American, 0.0067%; no homozygotes.

Submissions (2):

Fulgent Genetics
Classification: Uncertain significance for Blepharophimosis - intellectual disability syndrome, SBBYS type; Genitopatellar syndrome. Last evaluated: 2024-04-22. Review status: criteria provided, single submitter. Criteria: ACMG Guidelines, 2015. Collection method: clinical testing. Allele origin: germline.

Labcorp Genetics (formerly Invitae), Labcorp
Classification: Uncertain significance for Genitopatellar syndrome. Last evaluated: 2023-08-17. Review status: criteria provided, single submitter. Criteria: Invitae Variant Classification Sherloc (09022015). Collection method: clinical testing. Allele origin: germline.
Comment: This sequence change replaces arginine, which is basic and polar, with glycine, which is neutral and non-polar, at codon 1112 of the KAT6B protein (p.Arg1112Gly). This variant is present in population databases (rs763583481, gnomAD 0.006%). This variant has not been reported in the literature in individuals affected with KAT6B-related conditions. ClinVar contains an entry for this variant (Variation ID: 2047442). Advanced modeling of protein sequence and biophysical properties (such as structural, functional, and spatial information, amino acid conservation, physicochemical variation, residue mobility, and thermodynamic stability) performed at Invitae indicates that this missense variant is not expected to disrupt KAT6B protein function. In summary, the available evidence is currently insufficient to determine the role of this variant in disease. Therefore, it has been classified as a Variant of Uncertain Significance.